The following is an entry in ClinVar:

ClinVar aggregate classification (germline): Uncertain significance (1 of 4 stars; one submission).

Conditions:
Neurofibromatosis, type 2 (SWNV). Also called: BILATERAL ACOUSTIC NEUROFIBROMATOSIS; NF2-Related Schwannomatosis; SCHWANNOMATOSIS, VESTIBULAR. Identifiers: Orphanet 637, MedGen C0027832, MONDO:0007039, OMIM 101000. Disease mechanism: loss of function.

Submission:

Color Diagnostics, LLC DBA Color Health
Classification: Uncertain significance for Neurofibromatosis, type 2. Last evaluated: 2025-06-20. Review status: criteria provided, single submitter. Criteria: ACMG Guidelines, 2015. Collection method: clinical testing. Allele origin: germline.
Comment: This missense variant replaces alanine with threonine at codon 381 of the NF2 protein. Computational prediction is inconclusive regarding the impact of this variant on protein structure and function. To our knowledge, functional studies have not been reported for this variant. This variant has not been reported in individuals affected with NF2-related disorders in the literature. This variant has not been identified in the general population by the Genome Aggregation Database (gnomAD). The available evidence is insufficient to determine the role of this variant in disease conclusively. Therefore, this variant is classified as a Variant of Uncertain Significance.

NM_000268.4(NF2):c.1141G>A (p.Ala381Thr)

Gene: NF2 (NF2, moesin-ezrin-radixin like (MERLIN) tumor suppressor; plus strand). Cytogenetic location: 22q12.2.
Variant type: single nucleotide variant.
Coding change: c.1141G>A on transcript NM_000268.4 (MANE Select); coding-DNA position 1141, G replaced by A.
Protein change: p.Ala381Thr; replaces alanine 381 with threonine.
Molecular consequence: missense variant. On other transcripts: intron variant (1).
Genome position (GRCh38, 1-based): chr22:29,673,287, G>A. VCF-style: chr22-29673287-G-A. GRCh37 (hg19) VCF-style: chr22-30069276-G-A.
Other names: c.910G>A, p.Ala304Thr (NM_001407067.1); c.1141G>A, p.Ala381Thr (NM_016418.5, NM_181825.3, NM_181832.3 and 2 more transcripts); c.1015G>A, p.Ala339Thr (NM_181828.3, NM_001407055.1); c.1018G>A, p.Ala340Thr (NM_181829.3, NM_001407054.1, NM_001407058.1); c.892G>A, p.Ala298Thr (NM_181830.3, NM_181831.3, NM_001407063.1 and 1 more transcripts); c.448-21465G>A (NM_181833.3); c.1027G>A, p.Ala343Thr (NM_001407053.1, NM_001407056.1); c.1006G>A, p.Ala336Thr (NM_001407057.1, NM_001407059.1); and 2 more; short protein forms A203T, A295T, A298T, A304T, A336T, A339T, A340T, A343T.
Identifiers: ClinVar variation 4756873 (VCV004756873.1).